The following is an entry in ClinVar:

ClinVar aggregate classification (germline): Uncertain significance. Review status: criteria provided, multiple submitters, no conflicts (2 of 4 stars). 2 submissions from 2 submitters: Uncertain significance (2). Last evaluated 2025-10-22.

Conditions:
Cardiovascular phenotype. Identifiers: MedGen CN230736.
Arrhythmogenic cardiomyopathy with wooly hair and keratoderma. Also called: Dilated cardiomyopathy with woolly hair and keratoderma; Arrhythmogenic cardiomyopathy with woolly hair and keratoderma; Carvajal syndrome; PALMOPLANTAR KERATODERMA WITH LEFT VENTRICULAR CARDIOMYOPATHY AND WOOLLY HAIR. Identifiers: Orphanet 65282, MedGen C1854063, MONDO:0011581, OMIM 605676.
Arrhythmogenic right ventricular dysplasia 8 (ARVD8). Also called: ARRHYTHMOGENIC RIGHT VENTRICULAR DYSPLASIA, FAMILIAL, 8; ARRHYTHMOGENIC RIGHT VENTRICULAR CARDIOMYOPATHY 8; Arrhythmogenic Right Ventricular Dysplasia/Cardiomyopathy 8. Identifiers: MedGen C1843896, MONDO:0011831, OMIM 607450.

Submissions (2):

Labcorp Genetics (formerly Invitae), Labcorp
Classification: Uncertain significance for Arrhythmogenic cardiomyopathy with wooly hair and keratoderma; Arrhythmogenic right ventricular dysplasia 8. Last evaluated: 2025-10-22. Review status: criteria provided, single submitter. Criteria: Invitae Variant Classification Sherloc (09022015). Collection method: clinical testing. Allele origin: germline.
Comment: This sequence change replaces arginine, which is basic and polar, with lysine, which is basic and polar, at codon 734 of the DSP protein (p.Arg734Lys). This variant is not present in population databases (gnomAD no frequency). This variant has not been reported in the literature in individuals affected with DSP-related conditions. ClinVar contains an entry for this variant (Variation ID: 580806). An algorithm developed to predict the effect of missense changes on protein structure and function (PolyPhen-2) suggests that this variant is likely to be tolerated. In summary, the available evidence is currently insufficient to determine the role of this variant in disease. Therefore, it has been classified as a Variant of Uncertain Significance.

Ambry Genetics
Classification: Uncertain significance for Cardiovascular phenotype. Last evaluated: 2021-06-22. Review status: criteria provided, single submitter. Criteria: Ambry Variant Classification Scheme 2023. Collection method: clinical testing. Allele origin: germline.
Comment: The p.R734K variant (also known as c.2201G>A), located in coding exon 16 of the DSP gene, results from a G to A substitution at nucleotide position 2201. The arginine at codon 734 is replaced by lysine, an amino acid with highly similar properties. This amino acid position is conserved. In addition, the in silico prediction for this alteration is inconclusive. Since supporting evidence is limited at this time, the clinical significance of this alteration remains unclear.

NM_004415.4(DSP):c.2201G>A (p.Arg734Lys)

Gene: DSP (desmoplakin; plus strand). Cytogenetic location: 6p24.3.
Variant type: single nucleotide variant.
Coding change: c.2201G>A on transcript NM_004415.4 (MANE Select); coding-DNA position 2201, G replaced by A.
Protein change: p.Arg734Lys; replaces arginine 734 with lysine.
Molecular consequence: missense variant.
Genome position (GRCh38, 1-based): chr6:7,574,156, G>A. VCF-style: chr6-7574156-G-A. GRCh37 (hg19) VCF-style: chr6-7574389-G-A.
Other names: c.2201G>A (LRG_423t1); c.2201G>A, p.Arg734Lys (NM_001008844.3, NM_001319034.2); short protein forms R734K.
Identifiers: ClinVar variation 580806 (VCV000580806.11), dbSNP rs1561692443, ClinGen allele CA362680788.